The following is an entry in ClinVar:

ClinVar aggregate classification (germline): Likely pathogenic (1 of 4 stars; one submission).

Conditions:
Peutz-Jeghers syndrome (PJS). Also called: Peutz-Jeghers polyposis; Periorificial lentiginosis syndrome; POLYPOSIS, HAMARTOMATOUS INTESTINAL; POLYPS-AND-SPOTS SYNDROME. Identifiers: Orphanet 2869, MedGen C0031269, MeSH D010580, MONDO:0008280, OMIM 175200.

Submission:

Labcorp Genetics (formerly Invitae), Labcorp
Classification: Likely pathogenic for Peutz-Jeghers syndrome. Last evaluated: 2023-07-14. Review status: criteria provided, single submitter. Criteria: Invitae Variant Classification Sherloc (09022015). Collection method: clinical testing. Allele origin: germline.
Comment: ClinVar contains an entry for this variant (Variation ID: 1480660). In summary, the currently available evidence indicates that the variant is pathogenic, but additional data are needed to prove that conclusively. Therefore, this variant has been classified as Likely Pathogenic. Algorithms developed to predict the effect of sequence changes on RNA splicing suggest that this variant may disrupt the consensus splice site. This variant has not been reported in the literature in individuals affected with STK11-related conditions. This variant is not present in population databases (gnomAD no frequency). This variant results in the deletion of part of exon 4 (c.589_597+6del) of the STK11 gene. It is expected to disrupt RNA splicing. Variants that disrupt the donor or acceptor splice site typically lead to a loss of protein function (PMID: 16199547), and loss-of-function variants in STK11 are known to be pathogenic (PMID: 15188174, 16287113).

Literature cited by the submitters: PubMed 16199547; PubMed 15188174; PubMed 16287113.

NM_000455.5(STK11):c.589_597+6del

Gene: STK11 (serine/threonine kinase 11; plus strand). Cytogenetic location: 19p13.3.
Variant type: Deletion.
Coding change: c.589_597+6del on transcript NM_000455.5 (MANE Select); coding-DNA position 589 through 6 bases into the intron after coding-DNA position 597, 15 bases deleted (GTGGCCGAGGTAGGC).
Molecular consequence: splice donor variant.
Genome position (GRCh38, 1-based): chr19:1,220,497-1,220,511, GTGGCCGAGGTAGGC deleted; deleting any 15 consecutive bases within chr19:1,220,494-1,220,511 gives the same sequence; the c. name uses the placement nearest the transcript's 3' end. VCF-style (leftmost placement, unchanged base first): chr19-1220493-GGGCGTGGCCGAGGTA-G. GRCh37 (hg19) VCF-style: chr19-1220492-GGGCGTGGCCGAGGTA-G.
Identifiers: ClinVar variation 1480660 (VCV001480660.6), dbSNP rs2145424662, ClinGen allele CA2573155764.
Genomic context (GRCh38, chr19:1,220,493, plus strand): 5'-GGACATCAAGCCGGGGAACCTGCTGCTCACCACCGGTGGCACCCTCAAAATCTCCGACCT[GGGCGTGGCCGAGGTA>G]GGCACGTGCTAGGGGGGGCCCTGGGGCGCCCCCTCCCGGGCACTCCCTGAGGGCTGCACG-3'